The following is an entry in ClinVar:

ClinVar aggregate classification (germline): Uncertain significance (1 of 4 stars; one submission).

Submission:

Greenwood Genetic Center Diagnostic Laboratories, Greenwood Genetic Center
Classification: Uncertain significance. Last evaluated: 2026-06-04. Review status: criteria provided, single submitter. Criteria: ACMG Guidelines, 2015. Collection method: clinical testing. Allele origin: germline.
Comment: PM2, PP2

NM_001376.5(DYNC1H1):c.5450A>G (p.His1817Arg)

Gene: DYNC1H1 (dynein cytoplasmic 1 heavy chain 1; plus strand). Cytogenetic location: 14q32.31.
Variant type: single nucleotide variant.
Coding change: c.5450A>G on transcript NM_001376.5 (MANE Select); coding-DNA position 5450, A replaced by G.
Protein change: p.His1817Arg; replaces histidine 1817 with arginine.
Molecular consequence: missense variant.
Genome position (GRCh38, 1-based): chr14:102,005,904, A>G. VCF-style: chr14-102005904-A-G. GRCh37 (hg19) VCF-style: chr14-102472241-A-G.
Other names: short protein forms H1817R.
Identifiers: ClinVar variation 4891133 (VCV004891133.1).